The following is an entry in ClinVar:

ClinVar aggregate classification (germline): Uncertain significance (1 of 4 stars; one submission).

Allele frequency attached by ClinVar (database versions not stated): gnomAD 0.00001; TOPMed 0.00001.
gnomAD v4.1: 3 of 1,513,012 alleles (0.0002%); highest among the groups gnomAD compares: African/African-American, 0.0042%; no homozygotes.

Submission:

Labcorp Genetics (formerly Invitae), Labcorp
Classification: Uncertain significance. Last evaluated: 2023-04-03. Review status: criteria provided, single submitter. Criteria: Invitae Variant Classification Sherloc (09022015). Collection method: clinical testing. Allele origin: germline.
Comment: This sequence change replaces aspartic acid, which is acidic and polar, with asparagine, which is neutral and polar, at codon 192 of the TCF3 protein (p.Asp192Asn). This variant is not present in population databases (gnomAD no frequency). This variant has not been reported in the literature in individuals affected with TCF3-related conditions. Advanced modeling of protein sequence and biophysical properties (such as structural, functional, and spatial information, amino acid conservation, physicochemical variation, residue mobility, and thermodynamic stability) performed at Invitae indicates that this missense variant is not expected to disrupt TCF3 protein function. In summary, the available evidence is currently insufficient to determine the role of this variant in disease. Therefore, it has been classified as a Variant of Uncertain Significance.

NM_003200.5(TCF3):c.574G>A (p.Asp192Asn)

Gene: TCF3 (transcription factor 3; minus strand). Cytogenetic location: 19p13.3.
Variant type: single nucleotide variant.
Coding change: c.574G>A on transcript NM_003200.5 (MANE Select); coding-DNA position 574, G replaced by A.
Protein change: p.Asp192Asn; replaces aspartic acid 192 with asparagine.
Molecular consequence: missense variant.
Genome position (GRCh38, 1-based): chr19:1,622,391, C>T on the plus strand (G>A on the coding strand, the complement: TCF3 is on the minus strand). VCF-style: chr19-1622391-C-T. GRCh37 (hg19) VCF-style: chr19-1622390-C-T.
Other names: c.574G>A, p.Asp192Asn (NM_001136139.4, NM_001351778.2, NM_001351779.2); short protein forms D192N.
Identifiers: ClinVar variation 3002801 (VCV003002801.3), dbSNP rs1265051769, ClinGen allele CA403056197.